The following is an entry in ClinVar:

NM_001563.4(IMPG1):c.1718T>C (p.Leu573Pro)

Gene: IMPG1 (interphotoreceptor matrix proteoglycan 1; minus strand). Cytogenetic location: 6q14.1.
Variant type: single nucleotide variant.
Coding change: c.1718T>C on transcript NM_001563.4 (MANE Select); coding-DNA position 1718, T replaced by C.
Protein change: p.Leu573Pro; replaces leucine 573 with proline.
Molecular consequence: missense variant.
Genome position (GRCh38, 1-based): chr6:75,950,668, A>G on the plus strand (T>C on the coding strand, the complement: IMPG1 is on the minus strand). VCF-style: chr6-75950668-A-G. GRCh37 (hg19) VCF-style: chr6-76660385-A-G.
Other names: c.1484T>C, p.Leu495Pro (NM_001282368.2); short protein forms L495P, L573P.
Identifiers: ClinVar variation 1004449 (VCV001004449.10), dbSNP rs1782009254, ClinGen allele CA364777022.

ClinVar aggregate classification (germline): Uncertain significance (1 of 4 stars; one submission).

Submission:

Labcorp Genetics (formerly Invitae), Labcorp
Classification: Uncertain significance. Last evaluated: 2025-07-07. Review status: criteria provided, single submitter. Criteria: Invitae Variant Classification Sherloc (09022015). Collection method: clinical testing. Allele origin: germline.
Comment: This sequence change replaces leucine, which is neutral and non-polar, with proline, which is neutral and non-polar, at codon 573 of the IMPG1 protein (p.Leu573Pro). This variant is not present in population databases (gnomAD no frequency). This variant has not been reported in the literature in individuals affected with IMPG1-related conditions. ClinVar contains an entry for this variant (Variation ID: 1004449). An algorithm developed to predict the effect of missense changes on protein structure and function (PolyPhen-2) suggests that this variant is likely to be disruptive. In summary, the available evidence is currently insufficient to determine the role of this variant in disease. Therefore, it has been classified as a Variant of Uncertain Significance.